The following is an entry in ClinVar:

ClinVar aggregate classification (germline): Likely benign (1 of 4 stars; one submission).

gnomAD v4.1: 2,368 of 1,580,610 alleles (0.15%); highest among the groups gnomAD compares: Non-Finnish European, 0.18%; 2 homozygotes.

Submission:

CeGaT Center for Human Genetics Tuebingen
Classification: Likely benign. Last evaluated: 2026-07-01. Review status: criteria provided, single submitter. Criteria: CeGaT Center For Human Genetics Tuebingen Variant Classification Criteria Version 2. Collection method: clinical testing. Allele origin: germline. Affected: yes. Observed: 2 variant alleles.
Comment: ATP6V0C: BP4, BP7, BS1

NM_001694.4(ATP6V0C):c.303G>T (p.Leu101=)

Gene: ATP6V0C (ATPase H+ transporting V0 subunit c; plus strand). Cytogenetic location: 16p13.3.
Variant type: single nucleotide variant.
Coding change: c.303G>T on transcript NM_001694.4 (MANE Select); coding-DNA position 303, G replaced by T.
Protein change: p.Leu101=; no amino-acid change (leucine 101 retained).
Molecular consequence: synonymous variant.
Genome position (GRCh38, 1-based): chr16:2,519,580, G>T. VCF-style: chr16-2519580-G-T. GRCh37 (hg19) VCF-style: chr16-2569581-G-T.
Other names: c.303G>T, p.Leu101= (NM_001198569.2).
Identifiers: ClinVar variation 4820778 (VCV004820778.4).